The following is an entry in ClinVar:

ClinVar aggregate classification (germline): Uncertain significance (1 of 4 stars; one submission).

Conditions:
Hereditary pancreatitis (PCTT). Also called: PRSS1-Related Hereditary Pancreatitis; Hereditary chronic pancreatitis. Identifiers: Orphanet 676, MedGen C0238339, MONDO:0008185, OMIM 167800.

Allele frequency attached by ClinVar (database versions not stated): ExAC 0.00001; gnomAD exomes 0.00001.

Submission:

Labcorp Genetics (formerly Invitae), Labcorp
Classification: Uncertain significance for Hereditary pancreatitis. Last evaluated: 2024-08-28. Review status: criteria provided, single submitter. Criteria: Invitae Variant Classification Sherloc (09022015). Collection method: clinical testing. Allele origin: germline.
Comment: This sequence change falls in intron 1 of the PRSS1 gene. It does not directly change the encoded amino acid sequence of the PRSS1 protein. It affects a nucleotide within the consensus splice site. The frequency data for this variant in the population databases is considered unreliable, as metrics indicate poor data quality at this position in the gnomAD database. This variant has not been reported in the literature in individuals affected with PRSS1-related conditions. ClinVar contains an entry for this variant (Variation ID: 959199). Variants that disrupt the consensus splice site are a relatively common cause of aberrant splicing (PMID: 17576681, 9536098). Algorithms developed to predict the effect of sequence changes on RNA splicing suggest that this variant is not likely to affect RNA splicing. In summary, the available evidence is currently insufficient to determine the role of this variant in disease. Therefore, it has been classified as a Variant of Uncertain Significance.

Literature cited by the submitters: PubMed 17576681; PubMed 9536098.

NM_002769.5(PRSS1):c.40+3G>A

Genes: PRSS1 (serine protease 1; plus strand), TRB (T cell receptor beta locus; plus strand). Cytogenetic location: 7q34.
Variant type: single nucleotide variant.
Coding change: c.40+3G>A on transcript NM_002769.5 (MANE Select); 3 bases into the intron after coding-DNA position 40, G replaced by A.
Molecular consequence: intron variant.
Genome position (GRCh38, 1-based): chr7:142,749,527, G>A. VCF-style: chr7-142749527-G-A. GRCh37 (hg19) VCF-style: chr7-142457378-G-A.
Identifiers: ClinVar variation 959199 (VCV000959199.7), dbSNP rs762998940, ClinGen allele CA4529595.